The following is an entry in ClinVar:

ClinVar aggregate classification (germline): Uncertain significance (1 of 4 stars; one submission).

Conditions:
Stormorken syndrome (STRMK). Also called: THROMBOCYTOPATHY, ASPLENIA, AND MIOSIS. Identifiers: Orphanet 3204, MedGen C1861451, MONDO:0008497, OMIM 185070.
Combined immunodeficiency due to STIM1 deficiency. Also called: IMMUNODEFICIENCY 10; STIM1 DEFICIENCY. Identifiers: Orphanet 169090, Orphanet 317430, MedGen C2748557, MONDO:0013008, OMIM 612783.
Myopathy with tubular aggregates (TAM). Also called: Tubular Aggregate Myopathy. Identifiers: Orphanet 2593, MedGen C0410207, MONDO:0008051.

gnomAD v4.1: 1 of 1,614,132 alleles (0.000062%); highest among the groups gnomAD compares: Non-Finnish European, 0.000085%; no homozygotes.

Submission:

Labcorp Genetics (formerly Invitae), Labcorp
Classification: Uncertain significance for Myopathy with tubular aggregates; Combined immunodeficiency due to STIM1 deficiency; Stormorken syndrome. Last evaluated: 2025-06-17. Review status: criteria provided, single submitter. Criteria: Invitae Variant Classification Sherloc (09022015). Collection method: clinical testing. Allele origin: germline.
Comment: This sequence change affects a donor splice site in intron 11 of the STIM1 gene. While this variant is not anticipated to result in nonsense mediated decay, it likely alters RNA splicing and results in a disrupted protein product. This variant is not present in population databases (gnomAD no frequency). This variant has not been reported in the literature in individuals affected with STIM1-related conditions. ClinVar contains an entry for this variant (Variation ID: 573558). Variants that disrupt the consensus splice site are a relatively common cause of aberrant splicing (PMID: 17576681, 9536098). Algorithms developed to predict the effect of sequence changes on RNA splicing suggest that this variant may disrupt the consensus splice site. In summary, the available evidence is currently insufficient to determine the role of this variant in disease. Therefore, it has been classified as a Variant of Uncertain Significance.

Literature cited by the submitters: PubMed 17576681; PubMed 9536098.

NM_001382567.1(STIM1):c.1634+1G>T

Gene: STIM1 (stromal interaction molecule 1; plus strand). Cytogenetic location: 11p15.4.
Variant type: single nucleotide variant.
Coding change: c.1634+1G>T on transcript NM_001382567.1 (MANE Select); the canonical splice donor site of the intron after coding-DNA position 1634, G replaced by T.
Molecular consequence: splice donor variant. On other transcripts: missense variant (2).
Genome position (GRCh38, 1-based): chr11:4,086,544, G>T. VCF-style: chr11-4086544-G-T. GRCh37 (hg19) VCF-style: chr11-4107774-G-T.
Other names: c.1542G>T, p.Arg514Ser (NM_001277961.3); c.1320G>T, p.Arg440Ser (NM_001382566.1); c.1319+1G>T (NM_001382578.1, NM_001382575.1, NM_001382576.1 and 2 more transcripts); c.1052+1G>T (NM_001382580.1, NM_001382581.1); c.1562+1G>T (NM_001382568.1); c.1541+1G>T (NM_001277962.2, NM_003156.4); c.1313+1G>T (NM_001382570.1); c.1406+1G>T (NM_001382569.1); and 1 more; short protein forms R514S, R440S.
Identifiers: ClinVar variation 573558 (VCV000573558.9), dbSNP rs1427379864, ClinGen allele CA379195319.